The following is an entry in ClinVar:

NM_002397.5(MEF2C):c.1202G>A (p.Arg401His)

Genes: MEF2C (myocyte enhancer factor 2C; minus strand), MEF2C-AS2 (MEF2C antisense RNA 2; plus strand). Cytogenetic location: 5q14.3.
Variant type: single nucleotide variant.
Coding change: c.1202G>A on transcript NM_002397.5 (MANE Select); coding-DNA position 1202, G replaced by A.
Protein change: p.Arg401His; replaces arginine 401 with histidine.
Molecular consequence: missense variant. On other transcripts: non-coding transcript variant (1), synonymous variant (9).
Genome position (GRCh38, 1-based): chr5:88,722,824, C>T on the plus strand (G>A on the coding strand, the complement: MEF2C is on the minus strand). VCF-style: chr5-88722824-C-T. GRCh37 (hg19) VCF-style: chr5-88018641-C-T.
Other names: c.1172G>A, p.Arg391His (NM_001131005.2); c.1232G>A, p.Arg411His (NM_001193347.1); c.1034G>A, p.Arg345His (NM_001193348.1); c.962G>A, p.Arg321His (NM_001193349.3, NM_001364332.2); c.1202G>A, p.Arg401His (NM_001193350.2, NM_001364329.2, NM_001364330.2 and 1 more transcripts); c.1178G>A, p.Arg393His (NM_001308002.3, NM_001364333.2); c.1106G>A, p.Arg369His (NM_001363581.2, NM_001364334.2, NM_001364335.2 and 2 more transcripts); c.1136G>A, p.Arg379His (NM_001364338.2); and 10 more; short protein forms R219H, R243H, R275H, R321H, R345H, R353H, R359H, R361H.
Identifiers: ClinVar variation 1215517 (VCV001215517.3), dbSNP rs2152045243, ClinGen allele CA360422219.

ClinVar aggregate classification (germline): Uncertain significance (1 of 4 stars; one submission).

gnomAD v4.1: 6 of 1,613,898 alleles (0.00037%); highest among the groups gnomAD compares: South Asian, 0.0011%; no homozygotes.

Submission:

GeneDx
Classification: Uncertain significance. Last evaluated: 2020-09-15. Review status: criteria provided, single submitter. Criteria: GeneDx Variant Classification Process June 2021. Collection method: clinical testing. Allele origin: germline. Affected: yes.
Comment: Not observed in large population cohorts (Lek et al., 2016); In silico analysis, which includes protein predictors and evolutionary conservation, supports a deleterious effect; Has not been previously published as pathogenic or benign to our knowledge